The following is an entry in ClinVar:

NM_001080.3(ALDH5A1):c.762del (p.Val253_Tyr254insTer)

Gene: ALDH5A1 (aldehyde dehydrogenase 5 family member A1; plus strand). Cytogenetic location: 6p22.3.
Variant type: Deletion.
Coding change: c.762del on transcript NM_001080.3 (MANE Select); coding-DNA position 762, one base deleted (C; older notation c.762delC).
Protein change: p.Val253_Tyr254insTer.
Molecular consequence: nonsense. On other transcripts: intron variant (1).
Genome position (GRCh38, 1-based): chr6:24,515,202, C deleted. VCF-style (leftmost placement, unchanged base first): chr6-24515201-AC-A. GRCh37 (hg19) VCF-style: chr6-24515429-AC-A.
Other names: c.801del, p.Val266_Tyr267insTer (NM_170740.1); c.727-5199del (NM_001368954.1).
Identifiers: ClinVar variation 2023832 (VCV002023832.4), dbSNP rs2532855006, ClinGen allele CA2580074241.

ClinVar aggregate classification (germline): Pathogenic (1 of 4 stars; one submission).

Conditions:
Succinate-semialdehyde dehydrogenase deficiency (SSADHD). Also called: 4-HYDROXYBUTYRIC ACIDURIA; Succinic Semialdehyde Dehydrogenase Deficiency; GABA METABOLIC DEFECT; SSADH DEFICIENCY. Identifiers: Orphanet 22, MedGen C0268631, MONDO:0010083, OMIM 271980.

Submission:

Labcorp Genetics (formerly Invitae), Labcorp
Classification: Pathogenic for Succinate-semialdehyde dehydrogenase deficiency. Last evaluated: 2025-08-18. Review status: criteria provided, single submitter. Criteria: Invitae Variant Classification Sherloc (09022015). Collection method: clinical testing. Allele origin: germline.
Comment: This sequence change creates a premature translational stop signal (p.Tyr254*) in the ALDH5A1 gene. It is expected to result in an absent or disrupted protein product. Loss-of-function variants in ALDH5A1 are known to be pathogenic (PMID: 14635103). This variant is not present in population databases (gnomAD no frequency). This variant has not been reported in the literature in individuals affected with ALDH5A1-related conditions. ClinVar contains an entry for this variant (Variation ID: 2023832). For these reasons, this variant has been classified as Pathogenic.

Literature cited by the submitters: PubMed 14635103.